The following is an entry in ClinVar:

NM_012282.4(KCNE5):c.286C>G (p.Gln96Glu)

Gene: KCNE5 (potassium voltage-gated channel subfamily E regulatory subunit 5; minus strand). Cytogenetic location: Xq23.
Variant type: single nucleotide variant.
Coding change: c.286C>G on transcript NM_012282.4 (MANE Select); coding-DNA position 286, C replaced by G.
Protein change: p.Gln96Glu; replaces glutamine 96 with glutamic acid.
Molecular consequence: missense variant.
Genome position (GRCh38, 1-based): chrX:109,624,735, G>C on the plus strand (C>G on the coding strand, the complement: KCNE5 is on the minus strand). VCF-style: chrX-109624735-G-C. GRCh37 (hg19) VCF-style: chrX-108867964-G-C.
Other names: short protein forms Q96E.
Identifiers: ClinVar variation 1442298 (VCV001442298.11), dbSNP rs769195237, ClinGen allele CA10490862.

ClinVar aggregate classification (germline): Uncertain significance. Review status: criteria provided, multiple submitters, no conflicts (2 of 4 stars). 2 submissions from 2 submitters: Uncertain significance (2). Last evaluated 2025-04-09.

Conditions:
Brugada syndrome. Also called: Sudden unexpected nocturnal death syndrome; Sudden unexplained nocturnal death syndrome; Sudden Unexplained Death Syndrome; Sudden Unexplained Nocturnal Death Syndrome (SUNDS). Identifiers: Orphanet 130, MedGen C1142166, MONDO:0015263.

Allele frequency attached by ClinVar (database versions not stated): gnomAD exomes 0.00001 and 0.00002; TOPMed 0.00001.

Submissions (2):

Ambry Genetics
Classification: Uncertain significance. Last evaluated: 2025-04-09. Review status: criteria provided, single submitter. Criteria: Ambry Variant Classification Scheme 2023. Collection method: clinical testing. Allele origin: germline.

Labcorp Genetics (formerly Invitae), Labcorp
Classification: Uncertain significance for Brugada syndrome. Last evaluated: 2020-11-21. Review status: criteria provided, single submitter. Criteria: Invitae Variant Classification Sherloc (09022015). Collection method: clinical testing. Allele origin: germline.
Comment: The frequency data for this variant in the population databases is considered unreliable, as metrics indicate poor data quality at this position in the ExAC database. In summary, the available evidence is currently insufficient to determine the role of this variant in disease. Therefore, it has been classified as a Variant of Uncertain Significance. Algorithms developed to predict the effect of missense changes on protein structure and function (SIFT, PolyPhen-2, Align-GVGD) all suggest that this variant is likely to be tolerated, but these predictions have not been confirmed by published functional studies and their clinical significance is uncertain. This variant has not been reported in the literature in individuals with KCNE5-related conditions. This sequence change replaces glutamine with glutamic acid at codon 96 of the KCNE5 protein (p.Gln96Glu). The glutamine residue is moderately conserved and there is a small physicochemical difference between glutamine and glutamic acid.